The following is an entry in ClinVar:

NM_020461.4(TUBGCP6):c.5168+3G>A

Gene: TUBGCP6 (tubulin gamma complex component 6; minus strand). Cytogenetic location: 22q13.33.
Variant type: single nucleotide variant.
Coding change: c.5168+3G>A on transcript NM_020461.4 (MANE Select); 3 bases into the intron after coding-DNA position 5168, G replaced by A.
Molecular consequence: intron variant.
Genome position (GRCh38, 1-based): chr22:50,218,186, C>T on the plus strand (G>A on the coding strand, the complement: TUBGCP6 is on the minus strand). VCF-style: chr22-50218186-C-T. GRCh37 (hg19) VCF-style: chr22-50656615-C-T.
Identifiers: ClinVar variation 1992980 (VCV001992980.4), dbSNP rs2519120502, ClinGen allele CA2580099923.

ClinVar aggregate classification (germline): Uncertain significance (1 of 4 stars; one submission).

Submission:

Labcorp Genetics (formerly Invitae), Labcorp
Classification: Uncertain significance. Last evaluated: 2022-08-16. Review status: criteria provided, single submitter. Criteria: Invitae Variant Classification Sherloc (09022015). Collection method: clinical testing. Allele origin: germline.
Comment: In summary, the available evidence is currently insufficient to determine the role of this variant in disease. Therefore, it has been classified as a Variant of Uncertain Significance. Variants that disrupt the consensus splice site are a relatively common cause of aberrant splicing (PMID: 17576681, 9536098). Algorithms developed to predict the effect of sequence changes on RNA splicing suggest that this variant is not likely to affect RNA splicing. This variant has not been reported in the literature in individuals affected with TUBGCP6-related conditions. This variant is not present in population databases (gnomAD no frequency). This sequence change falls in intron 23 of the TUBGCP6 gene. It does not directly change the encoded amino acid sequence of the TUBGCP6 protein. It affects a nucleotide within the consensus splice site.

Literature cited by the submitters: PubMed 17576681; PubMed 9536098.